The following is an entry in ClinVar:

ClinVar aggregate classification (germline): Benign/Likely benign. Review status: criteria provided, multiple submitters, no conflicts (2 of 4 stars). 2 submissions from 2 submitters: Benign (1); Likely benign (1). Last evaluated 2025-04-30.

Conditions:
Hereditary cancer-predisposing syndrome. Also called: Neoplastic Syndromes, Hereditary; Hereditary neoplastic syndrome; Hereditary Cancer Syndrome; Tumor predisposition. Identifiers: Orphanet 140162, MedGen C0027672, MeSH D009386, MONDO:0015356.
Tuberous sclerosis 1 (TSC1). Identifiers: Orphanet 805, MedGen C1854465, MONDO:0008612, OMIM 191100.

Submissions (2):

Myriad Genetics, Inc.
Classification: Benign for Tuberous sclerosis 1. Last evaluated: 2025-04-30. Review status: criteria provided, single submitter. Criteria: Myriad Autosomal Dominant, Autosomal Recessive and X-Linked Classification Criteria (2023). Collection method: clinical testing. Allele origin: unknown.
Comment: This variant is considered benign. This variant is a silent/synonymous amino acid change and it is not expected to impact splicing.

Ambry Genetics
Classification: Likely benign for Hereditary cancer-predisposing syndrome. Last evaluated: 2017-01-18. Review status: criteria provided, single submitter. Criteria: Ambry Variant Classification Scheme 2023. Collection method: clinical testing. Allele origin: germline.

NM_000368.5(TSC1):c.3234G>A (p.Val1078=)

Gene: TSC1 (TSC complex subunit 1; minus strand). Cytogenetic location: 9q34.13.
Variant type: single nucleotide variant.
Coding change: c.3234G>A on transcript NM_000368.5 (MANE Select); coding-DNA position 3234, G replaced by A.
Protein change: p.Val1078=; no amino-acid change (valine 1078 retained).
Molecular consequence: synonymous variant.
Genome position (GRCh38, 1-based): chr9:132,896,496, C>T on the plus strand (G>A on the coding strand, the complement: TSC1 is on the minus strand). VCF-style: chr9-132896496-C-T. GRCh37 (hg19) VCF-style: chr9-135771883-C-T.
Other names: c.3231G>A, p.Val1077= (NM_001162426.2); c.3081G>A, p.Val1027= (NM_001162427.2); c.2871G>A, p.Val957= (NM_001362177.2).
Identifiers: ClinVar variation 590021 (VCV000590021.6), dbSNP rs1564470051, ClinGen allele CA467812695.